The following is an entry in ClinVar:

ClinVar aggregate classification (germline): Likely benign (0 of 4 stars; one submission).

Conditions:
CYP3A4-related disorder. Also called: CYP3A4-related condition.

Allele frequency attached by ClinVar (database versions not stated): 1000 Genomes Project 0.00040; 1000 Genomes Project 30x 0.00047.
gnomAD v4.1: 17 of 1,614,110 alleles (0.0011%); highest among the groups gnomAD compares: East Asian, 0.016%; no homozygotes.

Submission:

PreventionGenetics, part of Exact Sciences
Classification: Likely benign for CYP3A4-related condition. Last evaluated: 2023-11-10. Review status: no assertion criteria provided. Collection method: clinical testing. Allele origin: germline.
Comment: This variant is classified as likely benign based on ACMG/AMP sequence variant interpretation guidelines (Richards et al. 2015 PMID: 25741868, with internal and published modifications).

NM_017460.6(CYP3A4):c.600A>G (p.Gln200=)

Gene: CYP3A4 (cytochrome P450 family 3 subfamily A member 4; minus strand). Cytogenetic location: 7q22.1.
Variant type: single nucleotide variant.
Coding change: c.600A>G on transcript NM_017460.6 (MANE Select); coding-DNA position 600, A replaced by G.
Protein change: p.Gln200=; no amino-acid change (glutamine 200 retained).
Molecular consequence: synonymous variant.
Genome position (GRCh38, 1-based): chr7:99,768,424, T>C on the plus strand (A>G on the coding strand, the complement: CYP3A4 is on the minus strand). VCF-style: chr7-99768424-T-C. GRCh37 (hg19) VCF-style: chr7-99366047-T-C.
Other names: c.600A>G, p.Gln200= (NM_001202855.3).
Identifiers: ClinVar variation 3054024 (VCV003054024.2), dbSNP rs113667357, ClinGen allele CA4369695.
Genomic context (GRCh38, chr7:99,768,424, plus strand): 5'-AAAGAATGGATCCAAAAAATCAAATCTTAAAAGCTTCTTGGTGTTTTCCACAAAGGGGTC[T>C]TGTGGATTGTTGAGAGAGTCGATGTTCACTCCAAATGATGTGCTAGTGATCACATCCATG-3'
Protein context (NP_059488.2, residues 190-210): GVNIDSLNNP[Gln200=]DPFVENTKKL